The following is an entry in ClinVar:

NM_001374828.1(ARID1B):c.3552C>T (p.Tyr1184=)

Gene: ARID1B (AT-rich interaction domain 1B; plus strand). Cytogenetic location: 6q25.3.
Variant type: single nucleotide variant.
Coding change: c.3552C>T on transcript NM_001374828.1 (MANE Select); coding-DNA position 3552, C replaced by T.
Protein change: p.Tyr1184=; no amino-acid change (tyrosine 1184 retained).
Molecular consequence: synonymous variant.
Genome position (GRCh38, 1-based): chr6:157,181,016, C>T. VCF-style: chr6-157181016-C-T. GRCh37 (hg19) VCF-style: chr6-157502150-C-T.
Other names: c.3183C>T (NM_020732.3); c.1053C>T, p.Tyr351= (NM_001363725.2); c.3432C>T, p.Tyr1144= (NM_001371656.1, NM_001374820.1); c.3681C>T, p.Tyr1227= (NM_001438482.1); c.3594C>T, p.Tyr1198= (NM_001438483.1); c.3462C>T, p.Tyr1154= (NM_001438485.1); c.3435C>T, p.Tyr1145= (NM_001438486.1); c.3372C>T, p.Tyr1124= (NM_001438487.1); and 2 more.
Identifiers: ClinVar variation 4990023 (VCV004990023.1).

ClinVar aggregate classification (germline): Likely benign (1 of 4 stars; one submission).

Conditions:
ARID1B-Related Disorder. Identifiers: MedGen CN381337.

gnomAD v4.1: 19 of 1,614,016 alleles (0.0012%); highest among the groups gnomAD compares: South Asian, 0.0099%; no homozygotes.

Submission:

PreventionGenetics, part of Exact Sciences
Classification: Likely benign for ARID1B-related condition. Last evaluated: 2026-02-12. Review status: criteria provided, single submitter. Criteria: ACMG Guidelines, 2015. Collection method: clinical testing. Allele origin: germline.
Comment: This variant is classified as likely benign based on ACMG/AMP sequence variant interpretation guidelines (Richards et al. 2015 PMID: 25741868, with internal and published modifications).